The following is an entry in ClinVar:

ClinVar aggregate classification (germline): Uncertain significance (1 of 4 stars; one submission).

Submission:

CeGaT Center for Human Genetics Tuebingen
Classification: Uncertain significance. Last evaluated: 2023-09-01. Review status: criteria provided, single submitter. Criteria: CeGaT Center For Human Genetics Tuebingen Variant Classification Criteria Version 2. Collection method: clinical testing. Allele origin: germline. Affected: yes. Observed: 1 variant allele.
Comment: CDH11: PM2

NM_001797.4(CDH11):c.1895-547del

Gene: CDH11 (cadherin 11; minus strand). Cytogenetic location: 16q21.
Variant type: Deletion.
Coding change: c.1895-547del on transcript NM_001797.4 (MANE Select); 547 bases into the intron before coding-DNA position 1895, one base deleted (T; older notation c.1895-547delT).
Molecular consequence: intron variant. On other transcripts: frameshift variant (1).
Genome position (GRCh38, 1-based): chr16:64,948,646, A deleted on the plus strand (T on the coding strand, the reverse complement: CDH11 is on the minus strand). VCF-style (leftmost placement, unchanged base first): chr16-64948645-GA-G. GRCh37 (hg19) VCF-style: chr16-64982548-GA-G.
Other names: c.2036del, p.Leu679fs (NM_001308392.2); c.1517-547del (NM_001330576.2); short protein forms L679fs.
Identifiers: ClinVar variation 2646589 (VCV002646589.24), dbSNP rs2534760518, ClinGen allele CA2695197659.
Genomic context (GRCh38, chr16:64,948,645, plus strand): 5'-TACTAACTTAATGGGAAGTCTTACCGTAAGTGTGGTTGGACTCTCTGTAGCCACCACATA[GA>G]GGAAAGGAAGTTTTATAAAGACCCCCAGAAGACAAAATCTTCTGTTTACTTTAACATAGG-3'